The following is an entry in ClinVar:

ClinVar aggregate classification (germline): Benign/Likely benign. Review status: criteria provided, multiple submitters, no conflicts (2 of 4 stars). 3 submissions from 3 submitters: Benign (1); Likely benign (2). Last evaluated 2025-06-01.

Conditions:
Hereditary cancer-predisposing syndrome. Also called: Hereditary Cancer Syndrome; Hereditary neoplastic syndrome; Tumor predisposition; Neoplastic Syndromes, Hereditary. Identifiers: Orphanet 140162, MedGen C0027672, MeSH D009386, MONDO:0015356.
Multiple endocrine neoplasia, type 1 (MEN1). Also called: MEN I; WERMER SYNDROME; Endocrine adenomatosis multiple; MEN 1; MEA I. Identifiers: Orphanet 652, MedGen C0025267, MeSH D018761, MONDO:0007540, OMIM 131100.

Allele frequency attached by ClinVar (database versions not stated): gnomAD 0.00001; gnomAD exomes below 0.00001; TOPMed below 0.00001.
gnomAD v4.1: 5 of 1,614,026 alleles (0.00031%); highest among the groups gnomAD compares: Non-Finnish European, 0.00042%; no homozygotes.

Submissions (3):

Labcorp Genetics (formerly Invitae), Labcorp
Classification: Likely benign for Multiple endocrine neoplasia, type 1. Last evaluated: 2025-06-01. Review status: criteria provided, single submitter. Criteria: Invitae Variant Classification Sherloc (09022015). Collection method: clinical testing. Allele origin: germline.

Myriad Genetics, Inc.
Classification: Benign for Multiple endocrine neoplasia, type 1. Last evaluated: 2024-11-01. Review status: criteria provided, single submitter. Criteria: Myriad Autosomal Dominant, Autosomal Recessive and X-Linked Classification Criteria (2023). Collection method: clinical testing. Allele origin: unknown.
Comment: This variant is considered benign. This variant is a silent/synonymous amino acid change and it is not expected to impact splicing.

Ambry Genetics
Classification: Likely benign for Hereditary cancer-predisposing syndrome. Last evaluated: 2023-03-08. Review status: criteria provided, single submitter. Criteria: Ambry Variant Classification Scheme 2023. Collection method: clinical testing. Allele origin: germline.

NM_001370259.2(MEN1):c.729C>T (p.Ile243=)

Gene: MEN1 (menin 1; minus strand). Cytogenetic location: 11q13.1.
Variant type: single nucleotide variant.
Coding change: c.729C>T on transcript NM_001370259.2 (MANE Select); coding-DNA position 729, C replaced by T.
Protein change: p.Ile243=; no amino-acid change (isoleucine 243 retained).
Molecular consequence: synonymous variant.
Genome position (GRCh38, 1-based): chr11:64,807,606, G>A on the plus strand (C>T on the coding strand, the complement: MEN1 is on the minus strand). VCF-style: chr11-64807606-G-A. GRCh37 (hg19) VCF-style: chr11-64575078-G-A.
Other names: c.744C>T, p.Ile248= (NM_000244.4, NM_130800.3, NM_130801.3 and 3 more transcripts); c.729C>T, p.Ile243= (NM_001370251.2, NM_001370260.2, NM_001370261.2 and 1 more transcripts); c.624C>T, p.Ile208= (NM_001370262.2, NM_001370263.2).
Identifiers: ClinVar variation 457335 (VCV000457335.11), dbSNP rs1353237754, ClinGen allele CA474983796.